The following is an entry in ClinVar:

NM_003705.5(SLC25A12):c.1785G>A (p.Leu595=)

Gene: SLC25A12 (solute carrier family 25 member 12; minus strand). Cytogenetic location: 2q31.1.
Variant type: single nucleotide variant.
Coding change: c.1785G>A on transcript NM_003705.5 (MANE Select); coding-DNA position 1785, G replaced by A.
Protein change: p.Leu595=; no amino-acid change (leucine 595 retained).
Molecular consequence: synonymous variant. On other transcripts: non-coding transcript variant (1).
Genome position (GRCh38, 1-based): chr2:171,787,621, C>T on the plus strand (G>A on the coding strand, the complement: SLC25A12 is on the minus strand). VCF-style: chr2-171787621-C-T. GRCh37 (hg19) VCF-style: chr2-172644131-C-T.
Identifiers: ClinVar variation 643521 (VCV000643521.10), dbSNP rs1574670497, ClinGen allele CA429779223.

ClinVar aggregate classification (germline): Uncertain significance (1 of 4 stars; one submission).

Submission:

Labcorp Genetics (formerly Invitae), Labcorp
Classification: Uncertain significance. Last evaluated: 2024-02-23. Review status: criteria provided, single submitter. Criteria: Invitae Variant Classification Sherloc (09022015). Collection method: clinical testing. Allele origin: germline.
Comment: This sequence change affects codon 595 of the SLC25A12 mRNA. It is a 'silent' change, meaning that it does not change the encoded amino acid sequence of the SLC25A12 protein. This variant is not present in population databases (gnomAD no frequency). This variant has not been reported in the literature in individuals affected with SLC25A12-related conditions. ClinVar contains an entry for this variant (Variation ID: 643521). Algorithms developed to predict the effect of sequence changes on RNA splicing suggest that this variant may disrupt the consensus splice site. In summary, the available evidence is currently insufficient to determine the role of this variant in disease. Therefore, it has been classified as a Variant of Uncertain Significance.